The following is an entry in ClinVar:

ClinVar aggregate classification (germline): Uncertain significance. Review status: criteria provided, multiple submitters, no conflicts (2 of 4 stars). 2 submissions from 2 submitters: Uncertain significance (2). Last evaluated 2025-10-25.

Conditions:
Primary ciliary dyskinesia. Also called: Ciliary dyskinesia. Identifiers: Orphanet 244, MedGen C0008780, MONDO:0016575, HP:0012265.

Allele frequency attached by ClinVar (database versions not stated): TOPMed below 0.00001; gnomAD 0.00001.
gnomAD v4.1: 1 of 1,585,448 alleles (0.000063%); highest among the groups gnomAD compares: Admixed American, 0.0017%; no homozygotes.

Submissions (2):

Ambry Genetics
Classification: Uncertain significance for Primary ciliary dyskinesia. Last evaluated: 2025-10-25. Review status: criteria provided, single submitter. Criteria: Ambry Variant Classification Scheme 2023. Collection method: clinical testing. Allele origin: germline.
Comment: The p.G440R variant (also known as c.1318G>A), located in coding exon 8 of the DNAAF1 gene, results from a G to A substitution at nucleotide position 1318. The glycine at codon 440 is replaced by arginine, an amino acid with dissimilar properties. This amino acid position is conserved. In addition, this alteration is predicted to be tolerated by in silico analysis. Based on the available evidence, the clinical significance of this variant remains unclear.

Labcorp Genetics (formerly Invitae), Labcorp
Classification: Uncertain significance for Primary ciliary dyskinesia. Last evaluated: 2021-08-27. Review status: criteria provided, single submitter. Criteria: Invitae Variant Classification Sherloc (09022015). Collection method: clinical testing. Allele origin: germline.
Comment: This sequence change replaces glycine with arginine at codon 440 of the DNAAF1 protein (p.Gly440Arg). The glycine residue is moderately conserved and there is a moderate physicochemical difference between glycine and arginine. This variant is not present in population databases (ExAC no frequency). This variant has not been reported in the literature in individuals affected with DNAAF1-related conditions. Algorithms developed to predict the effect of missense changes on protein structure and function are either unavailable or do not agree on the potential impact of this missense change (SIFT: "Deleterious"; PolyPhen-2: "Possibly Damaging"; Align-GVGD: "Class C0"). In summary, the available evidence is currently insufficient to determine the role of this variant in disease. Therefore, it has been classified as a Variant of Uncertain Significance.

NM_178452.6(DNAAF1):c.1318G>A (p.Gly440Arg)

Gene: DNAAF1 (dynein axonemal assembly factor 1; plus strand). Cytogenetic location: 16q24.1.
Variant type: single nucleotide variant.
Coding change: c.1318G>A on transcript NM_178452.6 (MANE Select); coding-DNA position 1318, G replaced by A.
Protein change: p.Gly440Arg; replaces glycine 440 with arginine.
Molecular consequence: missense variant.
Genome position (GRCh38, 1-based): chr16:84,170,146, G>A. VCF-style: chr16-84170146-G-A. GRCh37 (hg19) VCF-style: chr16-84203752-G-A.
Other names: c.610G>A, p.Gly204Arg (NM_001318756.1); short protein forms G440R, G204R.
Identifiers: ClinVar variation 576694 (VCV000576694.6), dbSNP rs750949357, ClinGen allele CA285523749.